The following is an entry in ClinVar:

ClinVar aggregate classification (germline): Uncertain significance (1 of 4 stars; one submission).

gnomAD v4.1: 6 of 1,614,114 alleles (0.00037%); highest among the groups gnomAD compares: Admixed American, 0.01%; no homozygotes.

Submission:

Labcorp Genetics (formerly Invitae), Labcorp
Classification: Uncertain significance. Last evaluated: 2025-04-14. Review status: criteria provided, single submitter. Criteria: Invitae Variant Classification Sherloc (09022015). Collection method: clinical testing. Allele origin: germline.
Comment: This sequence change replaces serine, which is neutral and polar, with tyrosine, which is neutral and polar, at codon 88 of the GHSR protein (p.Ser88Tyr). This variant is present in population databases (no rsID available, gnomAD 0.009%). This variant has not been reported in the literature in individuals affected with GHSR-related conditions. Invitae Evidence Modeling of protein sequence and biophysical properties (such as structural, functional, and spatial information, amino acid conservation, physicochemical variation, residue mobility, and thermodynamic stability) indicates that this missense variant is expected to disrupt GHSR protein function with a positive predictive value of 80%. In summary, the available evidence is currently insufficient to determine the role of this variant in disease. Therefore, it has been classified as a Variant of Uncertain Significance.

NM_198407.2(GHSR):c.263C>A (p.Ser88Tyr)

Gene: GHSR (growth hormone secretagogue receptor; minus strand). Cytogenetic location: 3q26.31.
Variant type: single nucleotide variant.
Coding change: c.263C>A on transcript NM_198407.2 (MANE Select); coding-DNA position 263, C replaced by A.
Protein change: p.Ser88Tyr; replaces serine 88 with tyrosine.
Molecular consequence: missense variant.
Genome position (GRCh38, 1-based): chr3:172,448,151, G>T on the plus strand (C>A on the coding strand, the complement: GHSR is on the minus strand). VCF-style: chr3-172448151-G-T. GRCh37 (hg19) VCF-style: chr3-172165941-G-T.
Other names: c.263C>A, p.Ser88Tyr (NM_004122.2); short protein forms S88Y.
Identifiers: ClinVar variation 4748199 (VCV004748199.1).
Genomic context (GRCh38, chr3:172,448,151, plus strand): 5'-GGCCGGTACTGCCAGAGGCGAACGAGGTCCAGGGGCATGCAGAGGAAGATGAGCAGATCG[G>T]AGAAGGCCATGCTGGACAGGTAGAGGTTGGTGGTGGTGCGCAGCTCGCGGAAGCGCGACA-3'
Protein context (NP_940799.1, residues 78-98): TNLYLSSMAF[Ser88Tyr]DLLIFLCMPL